The following is an entry in ClinVar:

ClinVar aggregate classification (germline): Likely benign. Review status: criteria provided, multiple submitters, no conflicts (2 of 4 stars). 2 submissions from 2 submitters: Likely benign (2). Last evaluated 2025-08-01.

Conditions:
Hereditary cancer-predisposing syndrome. Also called: Neoplastic Syndromes, Hereditary; Tumor predisposition; Hereditary Cancer Syndrome; Hereditary neoplastic syndrome. Identifiers: Orphanet 140162, MedGen C0027672, MeSH D009386, MONDO:0015356.

Submissions (2):

CeGaT Center for Human Genetics Tuebingen
Classification: Likely benign. Last evaluated: 2025-08-01. Review status: criteria provided, single submitter. Criteria: CeGaT Center For Human Genetics Tuebingen Variant Classification Criteria Version 2. Collection method: clinical testing. Allele origin: germline. Affected: yes. Observed: 1 variant allele.
Comment: SUFU: PM2:Supporting, BP4, BP7

Ambry Genetics
Classification: Likely benign for Hereditary cancer-predisposing syndrome. Last evaluated: 2023-11-14. Review status: criteria provided, single submitter. Criteria: Ambry Variant Classification Scheme 2023. Collection method: clinical testing. Allele origin: germline.

NM_016169.4(SUFU):c.300T>C (p.Gly100=)

Gene: SUFU (SUFU negative regulator of hedgehog signaling; plus strand). Cytogenetic location: 10q24.32.
Variant type: single nucleotide variant.
Coding change: c.300T>C on transcript NM_016169.4 (MANE Select); coding-DNA position 300, T replaced by C.
Protein change: p.Gly100=; no amino-acid change (glycine 100 retained).
Molecular consequence: synonymous variant.
Genome position (GRCh38, 1-based): chr10:102,509,286, T>C. VCF-style: chr10-102509286-T-C. GRCh37 (hg19) VCF-style: chr10-104269043-T-C.
Other names: c.300T>C, p.Gly100= (NM_001178133.2).
Identifiers: ClinVar variation 3226878 (VCV003226878.9), dbSNP rs775876798, ClinGen allele CA471305389.
Genomic context (GRCh38, chr10:102,509,286, plus strand): 5'-TTCTGCTAACATCCCCGAGCACTGGCACTACATCAGCTTCGGCCTGAGTGATCTCTATGG[T>C]GACAACAGAGTCCATGAGTGAGTATATGCCACCTGTTCTTTATCCAGAGCCTTATTCCTG-3'
Protein context (NP_057253.2, residues 90-110): YISFGLSDLY[Gly100=]DNRVHEFTGT